The following is an entry in ClinVar:

ClinVar aggregate classification (germline): Uncertain significance (1 of 4 stars; one submission).

Submission:

GeneDx
Classification: Uncertain significance. Last evaluated: 2023-02-21. Review status: criteria provided, single submitter. Criteria: GeneDx Variant Classification Process June 2021. Collection method: clinical testing. Allele origin: germline. Affected: yes.
Comment: Not observed at significant frequency in large population cohorts (gnomAD); In silico analysis supports that this missense variant has a deleterious effect on protein structure/function; Has not been previously published as pathogenic or benign to our knowledge

NM_002397.5(MEF2C):c.17T>G (p.Ile6Ser)

Gene: MEF2C (myocyte enhancer factor 2C; minus strand). Cytogenetic location: 5q14.3.
Variant type: single nucleotide variant.
Coding change: c.17T>G on transcript NM_002397.5 (MANE Select); coding-DNA position 17, T replaced by G.
Protein change: p.Ile6Ser; replaces isoleucine 6 with serine.
Molecular consequence: missense variant.
Genome position (GRCh38, 1-based): chr5:88,823,772, A>C on the plus strand (T>G on the coding strand, the complement: MEF2C is on the minus strand). VCF-style: chr5-88823772-A-C. GRCh37 (hg19) VCF-style: chr5-88119589-A-C.
Other names: c.17T>G, p.Ile6Ser (NM_001131005.2, NM_001193347.1, NM_001193348.1 and 29 more transcripts); short protein forms I6S.
Identifiers: ClinVar variation 2576747 (VCV002576747.1), dbSNP rs2153222922, ClinGen allele CA360425331.